The following is an entry in ClinVar:

NM_001351132.2(PEX5):c.1145A>G (p.Asn382Ser)

Gene: PEX5 (peroxisomal biogenesis factor 5; plus strand). Cytogenetic location: 12p13.31.
Variant type: single nucleotide variant.
Coding change: c.1145A>G on transcript NM_001351132.2 (MANE Select); coding-DNA position 1145, A replaced by G.
Protein change: p.Asn382Ser; replaces asparagine 382 with serine.
Molecular consequence: missense variant.
Genome position (GRCh38, 1-based): chr12:7,208,044, A>G. VCF-style: chr12-7208044-A-G. GRCh37 (hg19) VCF-style: chr12-7360640-A-G.
Other names: c.1121A>G, p.Asn374Ser (NM_000319.5); c.1190A>G, p.Asn397Ser (NM_001131023.2); c.1034A>G, p.Asn345Ser (NM_001131024.2, NM_001351124.3, NM_001351126.2 and 7 more transcripts); c.1145A>G, p.Asn382Ser (NM_001131025.2, NM_001131026.2, NM_001300789.3 and 4 more transcripts); c.1010A>G, p.Asn337Ser (NM_001351139.2, NM_001351140.2, NM_001374649.2); c.1079A>G, p.Asn360Ser (NM_001351135.3, NM_001351138.2); c.1136A>G, p.Asn379Ser (NM_001351136.2); short protein forms N345S, N360S, N374S, N379S, N397S, N382S, N337S.
Identifiers: ClinVar variation 1433229 (VCV001433229.4), dbSNP rs2136230724, ClinGen allele CA383731811.

ClinVar aggregate classification (germline): Uncertain significance (1 of 4 stars; one submission).

Conditions:
Peroxisome biogenesis disorder 2B (PBD2B). Identifiers: Orphanet 44, MedGen C3550234, MONDO:0008736, OMIM 202370.

Submission:

Labcorp Genetics (formerly Invitae), Labcorp
Classification: Uncertain significance for Peroxisome biogenesis disorder 2B. Last evaluated: 2023-11-27. Review status: criteria provided, single submitter. Criteria: Invitae Variant Classification Sherloc (09022015). Collection method: clinical testing. Allele origin: germline.
Comment: This sequence change replaces asparagine, which is neutral and polar, with serine, which is neutral and polar, at codon 382 of the PEX5 protein (p.Asn382Ser). This variant is not present in population databases (gnomAD no frequency). This variant has not been reported in the literature in individuals affected with PEX5-related conditions. ClinVar contains an entry for this variant (Variation ID: 1433229). Advanced modeling of protein sequence and biophysical properties (such as structural, functional, and spatial information, amino acid conservation, physicochemical variation, residue mobility, and thermodynamic stability) performed at Invitae indicates that this missense variant is expected to disrupt PEX5 protein function with a positive predictive value of 80%. In summary, the available evidence is currently insufficient to determine the role of this variant in disease. Therefore, it has been classified as a Variant of Uncertain Significance.